The following is an entry in ClinVar:

ClinVar aggregate classification (germline): Likely pathogenic (1 of 4 stars; one submission).

Conditions:
Nemaline myopathy 2 (NEM2). Also called: Nemaline myopathy 2, autosomal recessive. Identifiers: MedGen C1850569, MONDO:0009725, OMIM 256030.

Submission:

Natera, Inc.
Classification: Likely pathogenic for Nemaline myopathy type 2. Last evaluated: 2025-05-12. Review status: criteria provided, single submitter. Criteria: Natera Variant Classification Schema (03/2026). Collection method: clinical testing. Allele origin: germline.
Comment: The c.1191del variant in NEB is a frameshift variant predicted to shift the reading frame beginning at codon 398 and leads to a stop codon 2 codons downstream. This variant is expected to result in nonsense mediated decay, truncation, or a dysfunctional protein product. This variant is rare in the general population with a frequency below the threshold expected for the associated phenotype(s). Given the available evidence, this variant is classified as Likely Pathogenic.

NM_001164508.2(NEB):c.1191del (p.Ser398fs)

Gene: NEB (nebulin; minus strand). Cytogenetic location: 2q23.3.
Variant type: Deletion.
Coding change: c.1191del on transcript NM_001164508.2 (MANE Select); coding-DNA position 1191, one base deleted (G; older notation c.1191delG).
Protein change: p.Ser398fs; shifts the reading frame from serine 398.
Molecular consequence: frameshift variant.
Genome position (GRCh38, 1-based): chr2:151,697,610, C deleted on the plus strand (G on the coding strand, the reverse complement: NEB is on the minus strand). VCF-style (leftmost placement, unchanged base first): chr2-151697609-TC-T. GRCh37 (hg19) VCF-style: chr2-152554123-TC-T.
Other names: c.1191del, p.Ser398fs (NM_001271208.2, NM_004543.5, NM_001164507.2); c.1191delG, p.Ser398Alafs (NM_001271208.1); short protein forms S398fs.
Identifiers: ClinVar variation 4058450 (VCV004058450.2).